The following is an entry in ClinVar:

NM_015450.3(POT1):c.703G>C (p.Val235Leu)

Gene: POT1 (protection of telomeres 1; minus strand). Cytogenetic location: 7q31.33.
Variant type: single nucleotide variant.
Coding change: c.703G>C on transcript NM_015450.3 (MANE Select); coding-DNA position 703, G replaced by C.
Protein change: p.Val235Leu; replaces valine 235 with leucine.
Molecular consequence: missense variant. On other transcripts: non-coding transcript variant (3).
Genome position (GRCh38, 1-based): chr7:124,853,138, C>G on the plus strand (G>C on the coding strand, the complement: POT1 is on the minus strand). VCF-style: chr7-124853138-C-G. GRCh37 (hg19) VCF-style: chr7-124493192-C-G.
Other names: c.310G>C, p.Val104Leu (NM_001042594.2); short protein forms V104L, V235L.
Identifiers: ClinVar variation 4862392 (VCV004862392.1).

ClinVar aggregate classification (germline): Uncertain significance (1 of 4 stars; one submission).

Conditions:
Hereditary cancer-predisposing syndrome. Also called: Neoplastic Syndromes, Hereditary; Tumor predisposition; Hereditary Cancer Syndrome; Hereditary neoplastic syndrome. Identifiers: Orphanet 140162, MedGen C0027672, MeSH D009386, MONDO:0015356.

Submission:

Ambry Genetics
Classification: Uncertain significance for Hereditary cancer-predisposing syndrome. Last evaluated: 2026-04-16. Review status: criteria provided, single submitter. Criteria: Ambry Variant Classification Scheme 2023. Collection method: clinical testing. Allele origin: germline.
Comment: The p.V235L variant (also known as c.703G>C) is located in coding exon 6 of the POT1 gene. The valine at codon 235 is replaced by leucine, an amino acid with highly similar properties. This change occurs in the first base pair of coding exon 6. This amino acid position is conserved. In addition, this alteration is predicted to be tolerated by in silico analysis. Based on the available evidence, the clinical significance of this variant remains unclear.